The following is an entry in ClinVar:

ClinVar aggregate classification (germline): Pathogenic (1 of 4 stars; one submission).

Conditions:
Marfan syndrome (MFS). Also called: FBN1-Related Marfan Syndrome; MARFAN SYNDROME, TYPE I; Marfan syndrome type 1; Marfan's syndrome; Marfan syndrome, classic. Identifiers: Orphanet 284963, Orphanet 558, MedGen C0024796, MONDO:0007947, OMIM 154700.
Familial thoracic aortic aneurysm and aortic dissection (TAAD). Also called: Thoracic aortic aneurysms and dissections. Identifiers: Orphanet 91387, MedGen C4707243, MONDO:0019625.

Submission:

Labcorp Genetics (formerly Invitae), Labcorp
Classification: Pathogenic for Marfan syndrome; Familial thoracic aortic aneurysm and aortic dissection. Last evaluated: 2025-05-03. Review status: criteria provided, single submitter. Criteria: Invitae Variant Classification Sherloc (09022015). Collection method: clinical testing. Allele origin: germline.
Comment: This sequence change creates a premature translational stop signal (p.Gly2179Alafs*4) in the FBN1 gene. It is expected to result in an absent or disrupted protein product. Loss-of-function variants in FBN1 are known to be pathogenic (PMID: 17657824, 19293843). This variant is not present in population databases (gnomAD no frequency). This variant has not been reported in the literature in individuals affected with FBN1-related conditions. For these reasons, this variant has been classified as Pathogenic.

Literature cited by the submitters: PubMed 17657824; PubMed 19293843.

NM_000138.5(FBN1):c.6536_6542del (p.Gly2179fs)

Gene: FBN1 (fibrillin 1; minus strand). Cytogenetic location: 15q21.1.
Variant type: Deletion.
Coding change: c.6536_6542del on transcript NM_000138.5 (MANE Select); coding-DNA positions 6536 to 6542, 7 bases deleted (GAACCTG; older notation c.6536_6542delGAACCTG).
Protein change: p.Gly2179fs; shifts the reading frame from glycine 2179.
Molecular consequence: frameshift variant.
Genome position (GRCh38, 1-based): chr15:48,434,668-48,434,674, CAGGTTC deleted on the plus strand (GAACCTG on the coding strand, the reverse complement: FBN1 is on the minus strand); deleting any 7 consecutive bases within chr15:48,434,668-48,434,676 gives the same sequence; the c. name uses the placement nearest the transcript's 3' end. VCF-style (leftmost placement, unchanged base first): chr15-48434667-GCAGGTTC-G. GRCh37 (hg19) VCF-style: chr15-48726864-GCAGGTTC-G.
Other names: c.6536_6542del, p.Gly2179fs (NM_001406716.1); short protein forms G2179fs.
Identifiers: ClinVar variation 4784895 (VCV004784895.1).